The following is an entry in ClinVar:

ClinVar aggregate classification (germline): Likely pathogenic (1 of 4 stars; one submission).

Conditions:
Niemann-Pick disease, type C1. Also called: NEUROVISCERAL STORAGE DISEASE WITH VERTICAL SUPRANUCLEAR OPHTHALMOPLEGIA; NIEMANN-PICK DISEASE WITH CHOLESTEROL ESTERIFICATION BLOCK; NIEMANN-PICK DISEASE WITHOUT SPHINGOMYELINASE DEFICIENCY; NIEMANN-PICK DISEASE, CHRONIC NEURONOPATHIC FORM; NIEMANN-PICK DISEASE, VARIANT TYPE C1. Identifiers: Orphanet 646, MedGen C3179455, MONDO:0009757, OMIM 257220.

Submission:

Labcorp Genetics (formerly Invitae), Labcorp
Classification: Likely pathogenic for Niemann-Pick disease, type C1. Last evaluated: 2025-02-03. Review status: criteria provided, single submitter. Criteria: Invitae Variant Classification Sherloc (09022015). Collection method: clinical testing. Allele origin: germline.
Comment: This sequence change affects a splice site in intron 7 of the NPC1 gene. It is expected to disrupt RNA splicing. Variants that disrupt the donor or acceptor splice site typically lead to a loss of protein function (PMID: 16199547), and loss-of-function variants in NPC1 are known to be pathogenic (PMID: 9211850). This variant is not present in population databases (gnomAD no frequency). This variant has not been reported in the literature in individuals affected with NPC1-related conditions. Algorithms developed to predict the effect of sequence changes on RNA splicing suggest that this variant may disrupt the consensus splice site. In summary, the currently available evidence indicates that the variant is pathogenic, but additional data are needed to prove that conclusively. Therefore, this variant has been classified as Likely Pathogenic.

Literature cited by the submitters: PubMed 16199547; PubMed 9211850.

NM_000271.5(NPC1):c.955+2_955+5del

Gene: NPC1 (NPC intracellular cholesterol transporter 1; minus strand). Cytogenetic location: 18q11.2.
Variant type: Deletion.
Coding change: c.955+2_955+5del on transcript NM_000271.5 (MANE Select); the canonical splice donor site of the intron after coding-DNA position 955 through 5 bases into the intron after coding-DNA position 955, 4 bases deleted (TAGG; older notation c.955+2_955+5delTAGG).
Molecular consequence: splice donor variant.
Genome position (GRCh38, 1-based): chr18:23,557,112-23,557,115, CCTA deleted on the plus strand (TAGG on the coding strand, the reverse complement: NPC1 is on the minus strand); deleting any 4 consecutive bases within chr18:23,557,112-23,557,118 gives the same sequence; the c. name uses the placement nearest the transcript's 3' end. VCF-style (leftmost placement, unchanged base first): chr18-23557111-GCCTA-G. GRCh37 (hg19) VCF-style: chr18-21137075-GCCTA-G.
Identifiers: ClinVar variation 4712191 (VCV004712191.1).